The following is an entry in ClinVar:

NM_005732.4(RAD50):c.3752+4_3752+7del

Genes: TH2-LCR (Th2 cytokine locus control region; plus strand), TH2LCRR (T helper type 2 locus control region associated RNA; minus strand), RAD50 (RAD50 double strand break repair protein; plus strand). Cytogenetic location: 5q31.1.
Variant type: Microsatellite.
Coding change: c.3752+4_3752+7del on transcript NM_005732.4 (MANE Select); bases 4 to 7 of the intron after coding-DNA position 3752, 4 bases deleted (AGTA; older notation c.3752+4_3752+7delAGTA).
Molecular consequence: splice donor variant.
Genome position (GRCh38, 1-based): chr5:132,640,809-132,640,812, AGTA deleted; deleting any 4 consecutive bases within chr5:132,640,805-132,640,812 gives the same sequence; the c. name uses the placement nearest the transcript's 3' end. VCF-style (leftmost placement, unchanged base first): chr5-132640804-GAGTA-G. GRCh37 (hg19) VCF-style: chr5-131976496-GAGTA-G.
Identifiers: ClinVar variation 2885377 (VCV002885377.3), ClinGen allele CA2675219779.

ClinVar aggregate classification (germline): Uncertain significance (1 of 4 stars; one submission).

Conditions:
Hereditary cancer-predisposing syndrome. Also called: Neoplastic Syndromes, Hereditary; Hereditary neoplastic syndrome; Tumor predisposition; Hereditary Cancer Syndrome. Identifiers: Orphanet 140162, MedGen C0027672, MeSH D009386, MONDO:0015356.

Submission:

Labcorp Genetics (formerly Invitae), Labcorp
Classification: Uncertain significance for Hereditary cancer-predisposing syndrome. Last evaluated: 2022-10-31. Review status: criteria provided, single submitter. Criteria: Invitae Variant Classification Sherloc (09022015). Collection method: clinical testing. Allele origin: germline.
Comment: In summary, the available evidence is currently insufficient to determine the role of this variant in disease. Therefore, it has been classified as a Variant of Uncertain Significance. Variants that disrupt the consensus splice site are a relatively common cause of aberrant splicing (PMID: 17576681, 9536098). Algorithms developed to predict the effect of sequence changes on RNA splicing suggest that this variant may disrupt the consensus splice site. This variant has not been reported in the literature in individuals affected with RAD50-related conditions. This variant is not present in population databases (gnomAD no frequency). This sequence change falls in intron 24 of the RAD50 gene. It does not directly change the encoded amino acid sequence of the RAD50 protein. It affects a nucleotide within the consensus splice site.

Literature cited by the submitters: PubMed 17576681; PubMed 9536098.